The following is an entry in ClinVar:

NM_006019.4(TCIRG1):c.512C>T (p.Ala171Val)

Gene: TCIRG1 (T cell immune regulator 1, ATPase H+ transporting V0 subunit a3; plus strand). Cytogenetic location: 11q13.2.
Variant type: single nucleotide variant.
Coding change: c.512C>T on transcript NM_006019.4 (MANE Select); coding-DNA position 512, C replaced by T.
Protein change: p.Ala171Val; replaces alanine 171 with valine.
Molecular consequence: missense variant. On other transcripts: 5 prime UTR variant (2).
Genome position (GRCh38, 1-based): chr11:68,043,379, C>T. VCF-style: chr11-68043379-C-T. GRCh37 (hg19) VCF-style: chr11-67810846-C-T.
Other names: c.-399C>T (NM_001351059.2); c.-137C>T (NM_006053.4); short protein forms A171V.
Identifiers: ClinVar variation 1905185 (VCV001905185.3), dbSNP rs1008224466, ClinGen allele CA381577107.

ClinVar aggregate classification (germline): Uncertain significance (1 of 4 stars; one submission).

Allele frequency attached by ClinVar (database versions not stated): gnomAD 0.00001.

Submission:

Labcorp Genetics (formerly Invitae), Labcorp
Classification: Uncertain significance. Last evaluated: 2025-02-20. Review status: criteria provided, single submitter. Criteria: Invitae Variant Classification Sherloc (09022015). Collection method: clinical testing. Allele origin: germline.
Comment: This sequence change replaces alanine, which is neutral and non-polar, with valine, which is neutral and non-polar, at codon 171 of the TCIRG1 protein (p.Ala171Val). The frequency data for this variant in the population databases is considered unreliable, as metrics indicate poor data quality at this position in the gnomAD database. This variant has not been reported in the literature in individuals affected with TCIRG1-related conditions. ClinVar contains an entry for this variant (Variation ID: 1905185). Invitae Evidence Modeling of protein sequence and biophysical properties (such as structural, functional, and spatial information, amino acid conservation, physicochemical variation, residue mobility, and thermodynamic stability) indicates that this missense variant is not expected to disrupt TCIRG1 protein function with a negative predictive value of 80%. In summary, the available evidence is currently insufficient to determine the role of this variant in disease. Therefore, it has been classified as a Variant of Uncertain Significance.